The following is an entry in ClinVar:

ClinVar aggregate classification (germline): Uncertain significance (1 of 4 stars; one submission).

Submission:

Labcorp Genetics (formerly Invitae), Labcorp
Classification: Uncertain significance. Last evaluated: 2022-02-11. Review status: criteria provided, single submitter. Criteria: Invitae Variant Classification Sherloc (09022015). Collection method: clinical testing. Allele origin: germline.
Comment: This variant is not present in population databases (gnomAD no frequency). This sequence change replaces threonine, which is neutral and polar, with alanine, which is neutral and non-polar, at codon 215 of the IFT74 protein (p.Thr215Ala). This variant has not been reported in the literature in individuals affected with IFT74-related conditions. Algorithms developed to predict the effect of missense changes on protein structure and function output the following: SIFT: "Tolerated"; PolyPhen-2: "Benign"; Align-GVGD: "Class C0". The alanine amino acid residue is found in multiple mammalian species, which suggests that this missense change does not adversely affect protein function. In summary, the available evidence is currently insufficient to determine the role of this variant in disease. Therefore, it has been classified as a Variant of Uncertain Significance.

NM_025103.4(IFT74):c.643A>G (p.Thr215Ala)

Gene: IFT74 (intraflagellar transport 74; plus strand). Cytogenetic location: 9p21.2.
Variant type: single nucleotide variant.
Coding change: c.643A>G on transcript NM_025103.4 (MANE Select); coding-DNA position 643, A replaced by G.
Protein change: p.Thr215Ala; replaces threonine 215 with alanine.
Molecular consequence: missense variant.
Genome position (GRCh38, 1-based): chr9:27,009,075, A>G. VCF-style: chr9-27009075-A-G. GRCh37 (hg19) VCF-style: chr9-27009073-A-G.
Other names: c.643A>G, p.Thr215Ala (NM_001099222.3, NM_001099223.3, NM_001099224.3 and 1 more transcripts); short protein forms T215A.
Identifiers: ClinVar variation 2096497 (VCV002096497.4), dbSNP rs2489423189, ClinGen allele CA373116385.